The following is an entry in ClinVar:

ClinVar aggregate classification (germline): Uncertain significance. Review status: criteria provided, multiple submitters, no conflicts (2 of 4 stars). 2 submissions from 2 submitters: Uncertain significance (2). Last evaluated 2024-01-29.

Conditions:
Fanconi anemia (FA). Also called: Fanconi's anemia. Identifiers: Orphanet 84, MedGen C0015625, MeSH D005199, MONDO:0019391.
Fanconi anemia complementation group P. Also called: SLX4-Related Fanconi Anemia. Identifiers: Orphanet 84, MedGen C3469542, MONDO:0013499, OMIM 613951.

Allele frequency attached by ClinVar (database versions not stated): gnomAD exomes below 0.00001; ExAC 0.00001; gnomAD 0.00001; TOPMed 0.00001.
gnomAD v4.1: 7 of 1,613,998 alleles (0.00043%); highest among the groups gnomAD compares: South Asian, 0.0044%; no homozygotes.

Submissions (2):

Labcorp Genetics (formerly Invitae), Labcorp
Classification: Uncertain significance for Fanconi anemia. Last evaluated: 2024-01-29. Review status: criteria provided, single submitter. Criteria: Invitae Variant Classification Sherloc (09022015). Collection method: clinical testing. Allele origin: germline.
Comment: This sequence change replaces proline, which is neutral and non-polar, with leucine, which is neutral and non-polar, at codon 417 of the SLX4 protein (p.Pro417Leu). This variant is present in population databases (rs748138902, gnomAD 0.006%). This variant has not been reported in the literature in individuals affected with SLX4-related conditions. Algorithms developed to predict the effect of missense changes on protein structure and function output the following: SIFT: "Not Available"; PolyPhen-2: "Benign"; Align-GVGD: "Not Available". The leucine amino acid residue is found in multiple mammalian species, which suggests that this missense change does not adversely affect protein function. In summary, the available evidence is currently insufficient to determine the role of this variant in disease. Therefore, it has been classified as a Variant of Uncertain Significance.

Fulgent Genetics
Classification: Uncertain significance for Fanconi anemia complementation group P. Last evaluated: 2024-01-02. Review status: criteria provided, single submitter. Criteria: ACMG Guidelines, 2015. Collection method: clinical testing. Allele origin: germline.

NM_032444.4(SLX4):c.1250C>T (p.Pro417Leu)

Gene: SLX4 (SLX4 structure-specific endonuclease subunit; minus strand). Cytogenetic location: 16p13.3.
Variant type: single nucleotide variant.
Coding change: c.1250C>T on transcript NM_032444.4 (MANE Select); coding-DNA position 1250, C replaced by T.
Protein change: p.Pro417Leu; replaces proline 417 with leucine.
Molecular consequence: missense variant.
Genome position (GRCh38, 1-based): chr16:3,597,913, G>A on the plus strand (C>T on the coding strand, the complement: SLX4 is on the minus strand). VCF-style: chr16-3597913-G-A. GRCh37 (hg19) VCF-style: chr16-3647914-G-A.
Other names: short protein forms P417L.
Identifiers: ClinVar variation 2717064 (VCV002717064.2), dbSNP rs748138902, ClinGen allele CA7866576.